The following is an entry in ClinVar:

NM_000512.5(GALNS):c.498del (p.Phe167fs)

Gene: GALNS (galactosamine (N-acetyl)-6-sulfatase; minus strand). Cytogenetic location: 16q24.3.
Variant type: Deletion.
Coding change: c.498del on transcript NM_000512.5 (MANE Select); coding-DNA position 498, one base deleted (C; older notation c.498delC).
Protein change: p.Phe167fs; shifts the reading frame from phenylalanine 167.
Molecular consequence: frameshift variant. On other transcripts: 5 prime UTR variant (1).
Genome position (GRCh38, 1-based): chr16:88,837,690, G deleted on the plus strand (C on the coding strand, the reverse complement: GALNS is on the minus strand). VCF-style (leftmost placement, unchanged base first): chr16-88837689-AG-A. GRCh37 (hg19) VCF-style: chr16-88904097-AG-A.
Other names: c.-58del (NM_001323543.2); c.516del, p.Phe173fs (NM_001323544.2); c.498del (NM_000512.4); short protein forms F167fs, F173fs.
Identifiers: ClinVar variation 633232 (VCV000633232.18), dbSNP rs772656696, ClinGen allele CA8235121.
Genomic context (GRCh38, chr16:88,837,689, plus strand): 5'-CCATCTCCCAGTCCCTGTACACAGGGATGTTGGGCCTGGCCTTGTTGTCATAAGGTCCAA[AG>A]TGGCAGTTGGGGGATCCAAACCACTCATCAAATCCGTGCTTCAGGGGGTGGAACTGGGGC-3'

ClinVar aggregate classification (germline): Pathogenic. Review status: criteria provided, multiple submitters, no conflicts (2 of 4 stars). 5 submissions from 5 submitters: Pathogenic (5). Last evaluated 2024-02-29.

Conditions:
Morquio syndrome. Also called: Mucopolysaccharidosis, Type IV; MPS IV; Mucopolysaccharidosis type 4; Eccentrochondrodysplasia. Identifiers: Orphanet 582, MedGen C0026707, MONDO:0018938.
Mucopolysaccharidosis, MPS-IV-A (MPS4A). Also called: MORQUIO SYNDROME A; MPS IVA; GALACTOSAMINE-6-SULFATASE DEFICIENCY; GALNS DEFICIENCY; MORQUIO A DISEASE; mucopolysaccharidosis type 4A. Identifiers: Orphanet 309297, Orphanet 582, MedGen C0086651, MONDO:0009659, OMIM 253000.

Allele frequency attached by ClinVar (database versions not stated): gnomAD exomes below 0.00001 and 0.00001; ExAC 0.00001; gnomAD 0.00002; TOPMed 0.00002.

Submissions (5):

Labcorp Genetics (formerly Invitae), Labcorp
Classification: Pathogenic for Mucopolysaccharidosis, MPS-IV-A. Last evaluated: 2024-02-29. Review status: criteria provided, single submitter. Criteria: Invitae Variant Classification Sherloc (09022015). Collection method: clinical testing. Allele origin: germline.
Comment: This sequence change creates a premature translational stop signal (p.Phe167Leufs*32) in the GALNS gene. It is expected to result in an absent or disrupted protein product. Loss-of-function variants in GALNS are known to be pathogenic (PMID: 12442278). This variant is not present in population databases (gnomAD no frequency). This premature translational stop signal has been observed in individual(s) with mucopolysaccharidosis IVA (PMID: 23876334). ClinVar contains an entry for this variant (Variation ID: 633232). Algorithms developed to predict the effect of sequence changes on RNA splicing suggest that this variant may disrupt the consensus splice site. For these reasons, this variant has been classified as Pathogenic.

Genome-Nilou Lab
Classification: Pathogenic for Mucopolysaccharidosis, MPS-IV-A. Last evaluated: 2021-11-07. Review status: criteria provided, single submitter. Criteria: ACMG Guidelines, 2015. Collection method: clinical testing. Allele origin: germline. Affected: no.

Institute for Clinical Genetics, University Hospital TU Dresden, University Hospital TU Dresden
Classification: Pathogenic. Last evaluated: 2021-11-03. Review status: criteria provided, single submitter. Criteria: ACMG Guidelines, 2015. Collection method: clinical testing. Allele origin: germline.

Laboratory of Diagnosis and Therapy of Lysosomal Disorders, University of Padova
Classification: Pathogenic for Mucopolysaccharidosis, MPS-IV-A. Last evaluated: 2021-02-01. Review status: criteria provided, single submitter. Criteria: ACMG Guidelines, 2015. Collection method: research. Allele origin: germline. Affected: yes.
Comment: Frameshift variant (PVS1_very strong); the prevalence of the variant in affected individuals is significantly increased compared with the prevalence in controls (PS4_strong); absent from gnomAD v2.1.1 (PM2_moderate)

Women's Health and Genetics/Laboratory Corporation of America, LabCorp
Classification: Pathogenic for Morquio syndrome. Last evaluated: 2018-02-01. Review status: criteria provided, single submitter. Criteria: LabCorp Variant Classification Summary - May 2015. Collection method: clinical testing. Allele origin: germline.
Comment: Variant summary: GALNS c.498delC (p.Phe167LeufsX32) results in a premature termination codon, predicted to cause a truncation of the encoded protein or absence of the protein due to nonsense mediated decay, which are commonly known mechanisms for disease. The variant was absent from 277164 control chromosomes of gnomAD dataset. The c.498delC has been reported in the literature in individuals with clinically and biochemically confirmed diagnosis of Mucopolysaccharidosis Type IVA (Morquio Syndrome A), and was shown to segregate with desease in at least one family (Dung_2014). No clinical diagnostic laboratories have submitted clinical-significance assessments for this variant to ClinVar after 2014. Based on the evidence outlined above, the variant was classified as pathogenic.

Literature cited by the submitters: PubMed 12442278 (cited by Labcorp Genetics (formerly Invitae), Labcorp); PubMed 23876334 (cited by 3 submitters); PubMed 16287098 (cited by Laboratory of Diagnosis and Therapy of Lysosomal Disorders, University of Padova); PubMed 34387910 (cited by Laboratory of Diagnosis and Therapy of Lysosomal Disorders, University of Padova); PubMed 25501214 (cited by Women's Health and Genetics/Laboratory Corporation of America, LabCorp).